The following is an entry in ClinVar:

NM_005188.4(CBL):c.1210T>A (p.Cys404Ser)

Gene: CBL (Cbl proto-oncogene; plus strand). Cytogenetic location: 11q23.3.
Variant type: single nucleotide variant.
Coding change: c.1210T>A on transcript NM_005188.4 (MANE Select); coding-DNA position 1210, T replaced by A.
Protein change: p.Cys404Ser; replaces cysteine 404 with serine.
Molecular consequence: missense variant.
Genome position (GRCh38, 1-based): chr11:119,278,280, T>A. VCF-style: chr11-119278280-T-A. GRCh37 (hg19) VCF-style: chr11-119148990-T-A.
Other names: short protein forms C404S.
Identifiers: ClinVar variation 1350751 (VCV001350751.8), dbSNP rs1949905314, ClinGen allele CA382912846.

ClinVar aggregate classification (germline): Uncertain significance (1 of 4 stars; one submission).

Conditions:
RASopathy. Also called: rasopathies; Noonan spectrum disorder. Identifiers: Orphanet 536391, MedGen C5555857, MONDO:0021060.

Submission:

Labcorp Genetics (formerly Invitae), Labcorp
Classification: Uncertain significance for RASopathy. Last evaluated: 2022-07-26. Review status: criteria provided, single submitter. Criteria: Invitae Variant Classification Sherloc (09022015). Collection method: clinical testing. Allele origin: germline.
Comment: In summary, the available evidence is currently insufficient to determine the role of this variant in disease. Therefore, it has been classified as a Variant of Uncertain Significance. Algorithms developed to predict the effect of sequence changes on RNA splicing suggest that this variant may create or strengthen a splice site. Advanced modeling of protein sequence and biophysical properties (such as structural, functional, and spatial information, amino acid conservation, physicochemical variation, residue mobility, and thermodynamic stability) performed at Invitae indicates that this missense variant is expected to disrupt CBL protein function. ClinVar contains an entry for this variant (Variation ID: 1350751). This sequence change replaces cysteine, which is neutral and slightly polar, with serine, which is neutral and polar, at codon 404 of the CBL protein (p.Cys404Ser). This variant is not present in population databases (gnomAD no frequency). This variant has not been reported in the literature in individuals affected with CBL-related conditions.